The following is an entry in ClinVar:

NM_025137.4(SPG11):c.-9C>T

Gene: SPG11 (SPG11 vesicle trafficking associated, spatacsin; minus strand). Cytogenetic location: 15q21.1.
Variant type: single nucleotide variant.
Coding change: c.-9C>T on transcript NM_025137.4 (MANE Select); 9 bases upstream of the start codon, C replaced by T.
Molecular consequence: 5 prime UTR variant.
Genome position (GRCh38, 1-based): chr15:44,663,656, G>A on the plus strand (C>T on the coding strand, the complement: SPG11 is on the minus strand). VCF-style: chr15-44663656-G-A. GRCh37 (hg19) VCF-style: chr15-44955854-G-A.
Other names: c.-9C>T (NM_001160227.2, NM_001411132.1).
Identifiers: ClinVar variation 4985120 (VCV004985120.1).
Genomic context (GRCh38, chr15:44,663,656, plus strand): 5'-CCCAGCTACCGCCGGCGGAAGCAGCACTCGCGACCCCTTCCTCTGCAGCCATCTTGGCCC[G>A]GCGGTTACTTCCGGTCACTTTCGCCGGAACCTGACTGCGTCGTGGGCATGCGCGGTGTAC-3'

ClinVar aggregate classification (germline): Likely benign (1 of 4 stars; one submission).

Conditions:
SPG11-related disorder. Also called: SPG11-related condition.

gnomAD v4.1: 23 of 1,588,934 alleles (0.0014%); highest among the groups gnomAD compares: East Asian, 0.0045%; no homozygotes.

Submission:

PreventionGenetics, part of Exact Sciences
Classification: Likely benign for SPG11-related condition. Last evaluated: 2025-10-07. Review status: criteria provided, single submitter. Criteria: ACMG Guidelines, 2015. Collection method: clinical testing. Allele origin: germline.
Comment: This variant is classified as likely benign based on ACMG/AMP sequence variant interpretation guidelines (Richards et al. 2015 PMID: 25741868, with internal and published modifications).